The following is an entry in ClinVar:

NM_022124.6(CDH23):c.158C>A (p.Thr53Asn)

Genes: CDH23 (cadherin related 23; plus strand), CDH23-AS1 (CDH23 antisense RNA 1; minus strand). Cytogenetic location: 10q22.1.
Variant type: single nucleotide variant.
Coding change: c.158C>A on transcript NM_022124.6 (MANE Select); coding-DNA position 158, C replaced by A.
Protein change: p.Thr53Asn; replaces threonine 53 with asparagine.
Molecular consequence: missense variant.
Genome position (GRCh38, 1-based): chr10:71,510,094, C>A. VCF-style: chr10-71510094-C-A. GRCh37 (hg19) VCF-style: chr10-73269851-C-A.
Other names: c.158C>A, p.Thr53Asn (NM_001171930.2, NM_001171931.2, NM_001171932.2 and 1 more transcripts); short protein forms T53N.
Identifiers: ClinVar variation 990899 (VCV000990899.10), dbSNP rs761428295, ClinGen allele CA5543315.

ClinVar aggregate classification (germline): Uncertain significance. Review status: criteria provided, multiple submitters, no conflicts (2 of 4 stars). 4 submissions from 4 submitters: Uncertain significance (3). 1 of the submissions does not count toward it. Last evaluated 2024-08-21.

Conditions:
Usher syndrome type 1 (USH1). Also called: RETINITIS PIGMENTOSA AND CONGENITAL DEAFNESS. Identifiers: Orphanet 231169, Orphanet 886, MedGen C1568247, MONDO:0010168, OMIM 276900.
Usher syndrome type 1D (USH1D). Also called: USHER SYNDROME, TYPE ID. Identifiers: Orphanet 231169, Orphanet 886, MedGen C1832845, MONDO:0010984, OMIM 601067.
Prelingual sensorineural hearing impairment. Identifiers: MedGen C4021806, HP:0000399.
Inborn genetic diseases. Identifiers: MedGen C0950123, MeSH D030342.

Allele frequency attached by ClinVar (database versions not stated): ExAC 0.00003; gnomAD 0.00005; gnomAD exomes 0.00005 and 0.00013; TOPMed 0.00006.
gnomAD v4.1: 193 of 1,613,928 alleles (0.012%); highest among the groups gnomAD compares: Non-Finnish European, 0.016%; no homozygotes.

Submissions (4):

Labcorp Genetics (formerly Invitae), Labcorp
Classification: Uncertain significance. Last evaluated: 2024-08-21. Review status: criteria provided, single submitter. Criteria: Invitae Variant Classification Sherloc (09022015). Collection method: clinical testing. Allele origin: germline.
Comment: This sequence change replaces threonine, which is neutral and polar, with asparagine, which is neutral and polar, at codon 53 of the CDH23 protein (p.Thr53Asn). This variant is present in population databases (rs761428295, gnomAD 0.01%). This variant has not been reported in the literature in individuals affected with CDH23-related conditions. ClinVar contains an entry for this variant (Variation ID: 990899). Invitae Evidence Modeling of protein sequence and biophysical properties (such as structural, functional, and spatial information, amino acid conservation, physicochemical variation, residue mobility, and thermodynamic stability) indicates that this missense variant is not expected to disrupt CDH23 protein function with a negative predictive value of 95%. In summary, the available evidence is currently insufficient to determine the role of this variant in disease. Therefore, it has been classified as a Variant of Uncertain Significance.

Ambry Genetics
Classification: Uncertain significance for Inborn genetic diseases. Last evaluated: 2024-07-27. Review status: criteria provided, single submitter. Criteria: Ambry Variant Classification Scheme 2023. Collection method: clinical testing. Allele origin: germline.

Blueprint Genetics
Classification: Uncertain significance. Last evaluated: 2022-08-02. Review status: criteria provided, single submitter. Criteria: ACMG Guidelines, 2015. Collection method: clinical testing. Allele origin: germline.

Natera, Inc.
Classification: Uncertain significance for Usher syndrome type 1. Last evaluated: 2020-04-15. Review status: no assertion criteria provided. Collection method: clinical testing. Allele origin: germline. Not counted in ClinVar's aggregate classification.